The following is an entry in ClinVar:

ClinVar aggregate classification (germline): Uncertain significance (1 of 4 stars; one submission).

Allele frequency attached by ClinVar (database versions not stated): gnomAD exomes below 0.00001; ExAC 0.00001.
gnomAD v4.1: 2 of 1,614,204 alleles (0.00012%); highest among the groups gnomAD compares: Non-Finnish European, 0.00017%; no homozygotes.

Submission:

Labcorp Genetics (formerly Invitae), Labcorp
Classification: Uncertain significance. Last evaluated: 2022-04-15. Review status: criteria provided, single submitter. Criteria: Invitae Variant Classification Sherloc (09022015). Collection method: clinical testing. Allele origin: germline.
Comment: In summary, the available evidence is currently insufficient to determine the role of this variant in disease. Therefore, it has been classified as a Variant of Uncertain Significance. Algorithms developed to predict the effect of missense changes on protein structure and function (SIFT, PolyPhen-2, Align-GVGD) all suggest that this variant is likely to be tolerated. This variant has not been reported in the literature in individuals affected with VCAN-related conditions. This variant is present in population databases (rs757255590, gnomAD 0.0009%). This sequence change replaces threonine, which is neutral and polar, with serine, which is neutral and polar, at codon 1202 of the VCAN protein (p.Thr1202Ser).

NM_004385.5(VCAN):c.3604A>T (p.Thr1202Ser)

Gene: VCAN (versican; plus strand). Cytogenetic location: 5q14.3.
Variant type: single nucleotide variant.
Coding change: c.3604A>T on transcript NM_004385.5 (MANE Select); coding-DNA position 3604, A replaced by T.
Protein change: p.Thr1202Ser; replaces threonine 1202 with serine.
Molecular consequence: missense variant. On other transcripts: intron variant (2).
Genome position (GRCh38, 1-based): chr5:83,521,910, A>T. VCF-style: chr5-83521910-A-T. GRCh37 (hg19) VCF-style: chr5-82817729-A-T.
Other names: c.3604A>T, p.Thr1202Ser (NM_001164098.2); c.1042+9514A>T (NM_001164097.2, NM_001126336.3); short protein forms T1202S.
Identifiers: ClinVar variation 2126356 (VCV002126356.4), dbSNP rs757255590, ClinGen allele CA3333026.